The following is an entry in ClinVar:

ClinVar aggregate classification (germline): Uncertain significance (1 of 4 stars; one submission).

Conditions:
Glycogen storage disease type X (GSD10). Also called: PGAMM DEFICIENCY; PHOSPHOGLYCERATE MUTASE, MUSCLE, DEFICIENCY OF; GSD X; MYOPATHY DUE TO PHOSPHOGLYCERATE MUTASE DEFICIENCY; Glycogen storage disease due to phosphoglycerate mutase deficiency; Dimauro disease. Identifiers: Orphanet 97234, MedGen C0268149, MONDO:0009865, OMIM 261670.

Submission:

Labcorp Genetics (formerly Invitae), Labcorp
Classification: Uncertain significance for Glycogen storage disease type X. Last evaluated: 2022-08-20. Review status: criteria provided, single submitter. Criteria: Invitae Variant Classification Sherloc (09022015). Collection method: clinical testing. Allele origin: germline.
Comment: This sequence change replaces arginine, which is basic and polar, with glutamine, which is neutral and polar, at codon 10 of the PGAM2 protein (p.Arg10Gln). This variant is present in population databases (rs770104295, gnomAD 0.009%). This missense change has been observed in individual(s) with clinical features of glycogen storage disease (PMID: 19783439). Algorithms developed to predict the effect of missense changes on protein structure and function (SIFT, PolyPhen-2, Align-GVGD) all suggest that this variant is likely to be disruptive. In summary, the available evidence is currently insufficient to determine the role of this variant in disease. Therefore, it has been classified as a Variant of Uncertain Significance.

Literature cited by the submitters: PubMed 19783439.

NM_000290.4(PGAM2):c.29G>A (p.Arg10Gln)

Genes: DBNL (drebrin like; plus strand), PGAM2 (phosphoglycerate mutase 2; minus strand). Cytogenetic location: 7p13.
Variant type: single nucleotide variant.
Coding change: c.29G>A on transcript NM_000290.4 (MANE Select); coding-DNA position 29, G replaced by A.
Protein change: p.Arg10Gln; replaces arginine 10 with glutamine.
Molecular consequence: missense variant. On other transcripts: 3 prime UTR variant (6).
Genome position (GRCh38, 1-based): chr7:44,065,501, C>T on the plus strand (G>A on the coding strand, the complement: PGAM2 is on the minus strand). VCF-style: chr7-44065501-C-T. GRCh37 (hg19) VCF-style: chr7-44105100-C-T.
Other names: c.*4585C>T (NM_001014436.3, NM_001122956.2, NM_001284313.2 and 3 more transcripts); short protein forms R10Q.
Identifiers: ClinVar variation 2136504 (VCV002136504.1), dbSNP rs770104295, ClinGen allele CA4236693.